The following is an entry in ClinVar:

NC_000023.10:g.(?_17710435)_(17750584_?)del

Gene: NHS (NHS actin remodeling regulator; plus strand). Cytogenetic location: Xp22.13.
Variant type: Deletion.
Identifiers: ClinVar variation 1460128 (VCV001460128.6).

ClinVar aggregate classification (germline): Pathogenic (1 of 4 stars; one submission).

Conditions:
Nance-Horan syndrome (NHS). Identifiers: Orphanet 627, MedGen C0796085, MONDO:0010545, OMIM 302350.

Submission:

Labcorp Genetics (formerly Invitae), Labcorp
Classification: Pathogenic for Nance-Horan syndrome. Last evaluated: 2021-04-13. Review status: criteria provided, single submitter. Criteria: Invitae Variant Classification Sherloc (09022015). Collection method: clinical testing. Allele origin: germline.
Comment: For these reasons, this variant has been classified as Pathogenic. This variant disrupts the C-terminus of the NHS protein. Other variant(s) that disrupt this region (p.Arg1418*) have been determined to be pathogenic (Invitae). This suggests that variants that disrupt this region of the protein are likely to be causative of disease. This variant has not been reported in the literature in individuals with NHS-related conditions. This variant is a gross deletion of the genomic region encompassing exon(s) 3-8 of the NHS gene. The 5' boundary is likely confined to intron 2. The 3' end of this event is unknown as it extends through the termination codon beyond the assayed region for this gene and may encompass additional genes. While this deletion is not anticipated to lead to nonsense mediated decay, it is expected to alter mRNA translation or result in a truncated protein product.